The following is an entry in ClinVar:

ClinVar aggregate classification (germline): Uncertain significance (1 of 4 stars; one submission).

Conditions:
TMEM67-related disorder. Also called: TMEM67-related condition; TMEM67-related disorders. Identifiers: MedGen CN239423.

gnomAD v4.1: 1 of 1,596,032 alleles (0.000063%); highest among the groups gnomAD compares: Middle Eastern, 0.017%; no homozygotes.

Submission:

PreventionGenetics, part of Exact Sciences
Classification: Uncertain significance for TMEM67-related condition. Last evaluated: 2026-08-31. Review status: criteria provided, single submitter. Criteria: ACMG Guidelines, 2015. Collection method: clinical testing. Allele origin: germline.
Comment: The TMEM67 c.2969A>G variant is predicted to result in the amino acid substitution p.Asp990Gly. To our knowledge, this variant has not been reported in the literature or in a large population database (gnomAD), indicating this variant is rare. At this time, the clinical significance of this variant is uncertain due to the absence of conclusive functional and genetic evidence.

NM_153704.6(TMEM67):c.2969A>G (p.Asp990Gly)

Gene: TMEM67 (transmembrane protein 67; plus strand). Cytogenetic location: 8q22.1.
Variant type: single nucleotide variant.
Coding change: c.2969A>G on transcript NM_153704.6 (MANE Select); coding-DNA position 2969, A replaced by G.
Protein change: p.Asp990Gly; replaces aspartic acid 990 with glycine.
Molecular consequence: missense variant. On other transcripts: non-coding transcript variant (1).
Genome position (GRCh38, 1-based): chr8:93,816,433, A>G. VCF-style: chr8-93816433-A-G. GRCh37 (hg19) VCF-style: chr8-94828661-A-G.
Other names: c.2726A>G, p.Asp909Gly (NM_001142301.1); short protein forms D909G, D990G.
Identifiers: ClinVar variation 4987679 (VCV004987679.1).